The following is an entry in ClinVar:

ClinVar aggregate classification (germline): Pathogenic (1 of 4 stars; one submission).

Conditions:
Familial adenomatous polyposis 1 (FAP1). Also called: POLYPOSIS, ADENOMATOUS INTESTINAL; FAMILIAL ADENOMATOUS POLYPOSIS 1, ATTENUATED. Identifiers: MedGen C2713442, MONDO:0021056, OMIM 175100. Disease mechanism: loss of function.

Submission:

Labcorp Genetics (formerly Invitae), Labcorp
Classification: Pathogenic for Familial adenomatous polyposis 1. Last evaluated: 2022-03-21. Review status: criteria provided, single submitter. Criteria: Invitae Variant Classification Sherloc (09022015). Collection method: clinical testing. Allele origin: germline.
Comment: A gross deletion of the genomic region encompassing the full coding sequence of the APC gene has been identified. Loss-of-function variants in APC are known to be pathogenic (PMID: 17963004, 20685668). The boundaries of this event are unknown as they extend beyond the assayed region for this gene and therefore may encompass additional genes. A similar copy number variant has been observed in individual(s) with familial adenomatous polyposis (PMID: 18487285, 19279422, 21643010). For these reasons, this variant has been classified as Pathogenic.

Literature cited by the submitters: PubMed 17963004; PubMed 20685668; PubMed 18487285; PubMed 19279422; PubMed 21643010.

NC_000005.9:g.(?_112072721)_(112179823_?)del

Gene: APC (APC regulator of Wnt signaling pathway; plus strand). Cytogenetic location: 5q22.2.
Variant type: Deletion.
Identifiers: ClinVar variation 1073064 (VCV001073064.5).